The following is an entry in ClinVar:

NM_000030.3(AGXT):c.847-3C>T

Gene: AGXT (alanine--glyoxylate aminotransferase; plus strand). Cytogenetic location: 2q37.3.
Variant type: single nucleotide variant.
Coding change: c.847-3C>T on transcript NM_000030.3 (MANE Select); 3 bases into the intron before coding-DNA position 847, C replaced by T.
Molecular consequence: intron variant.
Genome position (GRCh38, 1-based): chr2:240,877,534, C>T. VCF-style: chr2-240877534-C-T. GRCh37 (hg19) VCF-style: chr2-241816951-C-T.
Identifiers: ClinVar variation 3097505 (VCV003097505.2), dbSNP rs180177286, ClinGen allele CA2209324.
Genomic context (GRCh38, chr2:240,877,534, plus strand): 5'-GAGGGCGGGGCTTCCTGCCCACCCCACCCATGTCACTGCCCACCAGCGCCATCTCCCACA[C>T]AGGGCCTGGAGAACAGCTGGCGCCAGCACCGCGAGGCCGCGGCGTATCTGCATGGGCGCC-3'

ClinVar aggregate classification (germline): Uncertain significance. Review status: criteria provided, multiple submitters, no conflicts (2 of 4 stars). 2 submissions from 2 submitters: Uncertain significance (2). Last evaluated 2024-01-02.

Conditions:
Inborn genetic diseases. Identifiers: MedGen C0950123, MeSH D030342.
Primary hyperoxaluria, type I (HP1). Also called: GLYCOLIC ACIDURIA; HEPATIC AGT DEFICIENCY; OXALOSIS I; Primary hyperoxaluria type 1. Identifiers: Orphanet 416, Orphanet 93598, MedGen C0268164, MONDO:0009823, OMIM 259900. Disease mechanism: loss of function.

Allele frequency attached by ClinVar (database versions not stated): ExAC 0.00007.
gnomAD v4.1: 23 of 1,546,314 alleles (0.0015%); highest among the groups gnomAD compares: South Asian, 0.022%; no homozygotes.

Submissions (2):

Fulgent Genetics
Classification: Uncertain significance for Primary hyperoxaluria, type I. Last evaluated: 2024-01-02. Review status: criteria provided, single submitter. Criteria: ACMG Guidelines, 2015. Collection method: clinical testing. Allele origin: germline.

Ambry Genetics
Classification: Uncertain significance for Inborn genetic diseases. Last evaluated: 2023-11-14. Review status: criteria provided, single submitter. Criteria: Ambry Variant Classification Scheme 2023. Collection method: clinical testing. Allele origin: germline.
Comment: The c.847-3C>T intronic alteration consists of a C to T substitution 3 nucleotides before coding exon 9 in the AGXT gene. Based on insufficient or conflicting evidence, the clinical significance of this alteration remains unclear.